The following is an entry in ClinVar:

NM_001371623.1(TCOF1):c.2515G>A (p.Val839Ile)

Gene: TCOF1 (treacle ribosome biogenesis factor 1; plus strand). Cytogenetic location: 5q32.
Variant type: single nucleotide variant.
Coding change: c.2515G>A on transcript NM_001371623.1 (MANE Select); coding-DNA position 2515, G replaced by A.
Protein change: p.Val839Ile; replaces valine 839 with isoleucine.
Molecular consequence: missense variant.
Genome position (GRCh38, 1-based): chr5:150,379,265, G>A. VCF-style: chr5-150379265-G-A. GRCh37 (hg19) VCF-style: chr5-149758828-G-A.
Other names: c.2284G>A, p.Val762Ile (NM_000356.4, NM_001135245.2); c.2515G>A, p.Val839Ile (NM_001008657.3, NM_001135243.2, NM_001135244.2 and 1 more transcripts); short protein forms V762I, V839I.
Identifiers: ClinVar variation 1135323 (VCV001135323.14), dbSNP rs140126499, ClinGen allele CA3511191.
Genomic context (GRCh38, chr5:150,379,265, plus strand): 5'-TACTATTATCCCCCTGCAATTCAGGTGAAGCCACCAGTGAGAAACCCCCAGAACAGTACC[G>A]TCTTGGCGAGGGGCCCAGCATCTGTGCCATCTGTGGGGAAGGCCGTGGCTACAGCAGCTC-3'
Protein context (NP_001358552.1, residues 829-849): PPVRNPQNST[Val839Ile]LARGPASVPS

ClinVar aggregate classification (germline): Conflicting classifications of pathogenicity. Review status: criteria provided, conflicting classifications (1 of 4 stars). 4 submissions from 4 submitters: Uncertain significance (2); Likely benign (2). Last evaluated 2026-02-23.

Conditions:
Inborn genetic diseases. Identifiers: MedGen C0950123, MeSH D030342.
TCOF1-related disorder. Also called: TCOF1-related condition.
Treacher Collins syndrome 1 (TCS1). Also called: TCOF1-Related Treacher Collins Syndrome. Identifiers: Orphanet 861, MedGen CN315775, MONDO:0007944, OMIM 154500.

Allele frequency attached by ClinVar (database versions not stated): ExAC 0.00011; gnomAD exomes 0.00015 and 0.00022; TOPMed 0.00016; gnomAD 0.00019 and 0.00020; ESP Exome Variant Server 0.00031.
gnomAD v4.1: 338 of 1,614,084 alleles (0.021%); highest among the groups gnomAD compares: Non-Finnish European, 0.026%; no homozygotes.

Submissions (4):

PreventionGenetics, part of Exact Sciences
Classification: Uncertain significance for TCOF1-related condition. Last evaluated: 2026-02-23. Review status: criteria provided, single submitter. Criteria: ACMG Guidelines, 2015. Collection method: clinical testing. Allele origin: germline.
Comment: The TCOF1 c.2515G>A variant is predicted to result in the amino acid substitution p.Val839Ile. To our knowledge, this variant has not been reported in the literature. This variant is reported in 0.027% of alleles in individuals of European (Non-Finnish) descent in gnomAD. Although we suspect that this variant may be benign, at this time, the clinical significance of this variant is uncertain due to the absence of conclusive functional and genetic evidence.

Labcorp Genetics (formerly Invitae), Labcorp
Classification: Likely benign for Treacher Collins syndrome 1. Last evaluated: 2024-12-23. Review status: criteria provided, single submitter. Criteria: Invitae Variant Classification Sherloc (09022015). Collection method: clinical testing. Allele origin: germline.

Ambry Genetics
Classification: Uncertain significance for Inborn genetic diseases. Last evaluated: 2021-06-22. Review status: criteria provided, single submitter. Criteria: Ambry Variant Classification Scheme 2023. Collection method: clinical testing. Allele origin: germline.

GeneDx
Classification: Likely benign. Last evaluated: 2020-07-14. Review status: criteria provided, single submitter. Criteria: GeneDx Variant Classification Process June 2021. Collection method: clinical testing. Allele origin: germline. Affected: yes.